The following is an entry in ClinVar:

NM_000543.5(SMPD1):c.318+2T>C

Gene: SMPD1 (sphingomyelin phosphodiesterase 1; plus strand). Cytogenetic location: 11p15.4.
Variant type: single nucleotide variant.
Coding change: c.318+2T>C on transcript NM_000543.5 (MANE Select); the canonical splice donor site of the intron after coding-DNA position 318, T replaced by C.
Molecular consequence: splice donor variant.
Genome position (GRCh38, 1-based): chr11:6,390,918, T>C. VCF-style: chr11-6390918-T-C. GRCh37 (hg19) VCF-style: chr11-6412148-T-C.
Other names: c.-644+2T>C (NM_001318088.2); c.318+2T>C (NM_001365135.2, NM_001318087.2, NM_001007593.3).
Identifiers: ClinVar variation 551827 (VCV000551827.17), dbSNP rs1225462507, ClinGen allele CA379368572.

ClinVar aggregate classification (germline): Likely pathogenic. Review status: criteria provided, multiple submitters, no conflicts (2 of 4 stars). 3 submissions from 3 submitters: Likely pathogenic (2). 1 of the submissions does not count toward it. Last evaluated 2025-02-02.

Conditions:
Niemann-Pick disease, type A. Also called: Infantile Neurovisceral ASMD (Niemann-Pick Disease Type A; NPD-A); SPHINGOMYELIN LIPIDOSIS; SPHINGOMYELINASE DEFICIENCY. Identifiers: Orphanet 77292, MedGen C0268242, MONDO:0009756, OMIM 257200. Disease mechanism: loss of function.
Niemann-Pick disease, type B. Also called: Chronic Visceral ASMD (Niemann-Pick Disease Type B; NPD-B). Identifiers: Orphanet 77293, MedGen C0268243, MONDO:0011871, OMIM 607616. Disease mechanism: loss of function.

Allele frequency attached by ClinVar (database versions not stated): gnomAD exomes below 0.00001.
gnomAD v4.1: 6 of 1,613,632 alleles (0.00037%); highest among the groups gnomAD compares: Non-Finnish European, 0.00051%; no homozygotes.

Submissions (3):

Natera, Inc.
Classification: Likely pathogenic for Niemann-Pick Disease, Types A/B. Last evaluated: 2025-02-02. Review status: criteria provided, single submitter. Criteria: Natera Variant Classification Schema (03/2026). Collection method: clinical testing. Allele origin: germline.
Comment: The c.318+2T>C variant in SMPD1 is a canonical splice donor site variant predicted to affect pre-mRNA splicing, which may result in an abnormal transcript and altered protein product. This variant is expected to result in nonsense mediated decay, truncation, or a dysfunctional protein product. This variant is rare in the general population with a frequency below the threshold expected for the associated phenotype(s). Given the available evidence, this variant is classified as Likely Pathogenic.

Labcorp Genetics (formerly Invitae), Labcorp
Classification: Likely pathogenic for Niemann-Pick disease, type B; Niemann-Pick disease, type A. Last evaluated: 2023-12-21. Review status: criteria provided, single submitter. Criteria: Invitae Variant Classification Sherloc (09022015). Collection method: clinical testing. Allele origin: germline.
Comment: This sequence change affects a donor splice site in intron 1 of the SMPD1 gene. It is expected to disrupt RNA splicing. Variants that disrupt the donor or acceptor splice site typically lead to a loss of protein function (PMID: 16199547), and loss-of-function variants in SMPD1 are known to be pathogenic (PMID: 12369017, 15221801). This variant is present in population databases (no rsID available, gnomAD 0.0009%). This variant has not been reported in the literature in individuals affected with SMPD1-related conditions. ClinVar contains an entry for this variant (Variation ID: 551827). Algorithms developed to predict the effect of sequence changes on RNA splicing suggest that this variant may disrupt the consensus splice site. In summary, the currently available evidence indicates that the variant is pathogenic, but additional data are needed to prove that conclusively. Therefore, this variant has been classified as Likely Pathogenic.

Counsyl
Classification: Likely pathogenic for Niemann-Pick disease, type A. Last evaluated: 2017-05-16. Review status: no assertion criteria provided. Collection method: clinical testing. Allele origin: unknown. Not counted in ClinVar's aggregate classification.

Literature cited by the submitters: PubMed 16199547 (cited by Labcorp Genetics (formerly Invitae), Labcorp); PubMed 12369017 (cited by Labcorp Genetics (formerly Invitae), Labcorp); PubMed 15221801 (cited by Labcorp Genetics (formerly Invitae), Labcorp).